The following is an entry in ClinVar:

ClinVar aggregate classification (germline): Uncertain significance. Review status: criteria provided, multiple submitters, no conflicts (2 of 4 stars). 3 submissions from 3 submitters: Uncertain significance (3). Last evaluated 2024-06-28.

Conditions:
Developmental and epileptic encephalopathy, 18 (DEE18). Also called: Early infantile epileptic encephalopathy 18. Identifiers: Orphanet 369894, MedGen C3809624, MONDO:0014201, OMIM 615476.

Allele frequency attached by ClinVar (database versions not stated): gnomAD 0.00001; gnomAD exomes 0.00001; TOPMed 0.00001.
gnomAD v4.1: 24 of 1,613,960 alleles (0.0015%); highest among the groups gnomAD compares: Middle Eastern, 0.016%; no homozygotes.

Submissions (3):

GeneDx
Classification: Uncertain significance. Last evaluated: 2024-06-28. Review status: criteria provided, single submitter. Criteria: GeneDx Variant Classification Process June 2021. Collection method: clinical testing. Allele origin: germline. Affected: yes.
Comment: Identified in a patient with sudden unexpected death in epilepsy who also harbored a second SZT2 variant, but it is not known whether the variants occurred on the same (in cis) or on different (in trans) chromosomes (PMID: 34816733); Not observed at significant frequency in large population cohorts (gnomAD); In silico analysis supports that this missense variant does not alter protein structure/function; This variant is associated with the following publications: (PMID: 34816733)

Genome-Nilou Lab
Classification: Uncertain significance for Developmental and epileptic encephalopathy, 18. Last evaluated: 2023-04-11. Review status: criteria provided, single submitter. Criteria: ACMG Guidelines, 2015. Collection method: clinical testing. Allele origin: germline. Affected: no.

Labcorp Genetics (formerly Invitae), Labcorp
Classification: Uncertain significance. Last evaluated: 2022-08-15. Review status: criteria provided, single submitter. Criteria: Invitae Variant Classification Sherloc (09022015). Collection method: clinical testing. Allele origin: germline.
Comment: This sequence change replaces threonine, which is neutral and polar, with alanine, which is neutral and non-polar, at codon 984 of the SZT2 protein (p.Thr984Ala). This variant is present in population databases (no rsID available, gnomAD 0.007%). This variant has not been reported in the literature in individuals affected with SZT2-related conditions. ClinVar contains an entry for this variant (Variation ID: 393086). Algorithms developed to predict the effect of missense changes on protein structure and function output the following: SIFT: "Deleterious"; PolyPhen-2: "Benign"; Align-GVGD: "Class C0". The alanine amino acid residue is found in multiple mammalian species, which suggests that this missense change does not adversely affect protein function. In summary, the available evidence is currently insufficient to determine the role of this variant in disease. Therefore, it has been classified as a Variant of Uncertain Significance.

NM_001365999.1(SZT2):c.2950A>G (p.Thr984Ala)

Gene: SZT2 (SZT2 subunit of KICSTOR complex; plus strand). Cytogenetic location: 1p34.2.
Variant type: single nucleotide variant.
Coding change: c.2950A>G on transcript NM_001365999.1 (MANE Select); coding-DNA position 2950, A replaced by G.
Protein change: p.Thr984Ala; replaces threonine 984 with alanine.
Molecular consequence: missense variant.
Genome position (GRCh38, 1-based): chr1:43,426,058, A>G. VCF-style: chr1-43426058-A-G. GRCh37 (hg19) VCF-style: chr1-43891729-A-G.
Other names: c.2950A>G, p.Thr984Ala (NM_015284.4); short protein forms T984A.
Identifiers: ClinVar variation 393086 (VCV000393086.12), dbSNP rs1057524780, ClinGen allele CA16603725.